The following is an entry in ClinVar:

ClinVar aggregate classification (germline): Conflicting classifications of pathogenicity. Review status: criteria provided, conflicting classifications (1 of 4 stars). 2 submissions from 2 submitters: Uncertain significance (1); Likely benign (1). Last evaluated 2025-07-22.

Conditions:
Ullrich congenital muscular dystrophy 2 (UCMD2). Identifiers: Orphanet 75840, MedGen C4225314, MONDO:0014654, OMIM 616470.
Bethlem myopathy 2 (BTHLM2). Identifiers: Orphanet 536516, Orphanet 610, MedGen C4225313, MONDO:0034022, OMIM 616471.

Allele frequency attached by ClinVar (database versions not stated): ExAC 0.00004; gnomAD exomes 0.00005 and 0.00007; 1000 Genomes Project 0.00020; gnomAD 0.00006; TOPMed 0.00006; 1000 Genomes Project 30x 0.00016.
gnomAD v4.1: 78 of 1,613,214 alleles (0.0048%); highest among the groups gnomAD compares: East Asian, 0.02%; no homozygotes.

Submissions (2):

Labcorp Genetics (formerly Invitae), Labcorp
Classification: Uncertain significance for Bethlem myopathy 2; Ullrich congenital muscular dystrophy 2. Last evaluated: 2025-07-22. Review status: criteria provided, single submitter. Criteria: Invitae Variant Classification Sherloc (09022015). Collection method: clinical testing. Allele origin: germline.
Comment: This sequence change affects codon 1744 of the COL12A1 mRNA. It is a 'silent' change, meaning that it does not change the encoded amino acid sequence of the COL12A1 protein. It affects a nucleotide within the consensus splice site. This variant is present in population databases (rs552834799, gnomAD 0.02%). This variant has not been reported in the literature in individuals affected with COL12A1-related conditions. ClinVar contains an entry for this variant (Variation ID: 648632). Algorithms developed to predict the effect of sequence changes on RNA splicing suggest that this variant is not likely to affect RNA splicing. In summary, the available evidence is currently insufficient to determine the role of this variant in disease. Therefore, it has been classified as a Variant of Uncertain Significance.

GeneDx
Classification: Likely benign. Last evaluated: 2019-06-03. Review status: criteria provided, single submitter. Criteria: GeneDx Variant Classification Process June 2021. Collection method: clinical testing. Allele origin: germline. Affected: yes.

NM_004370.6(COL12A1):c.5230C>T (p.Leu1744=)

Gene: COL12A1 (collagen type XII alpha 1 chain; minus strand). Cytogenetic location: 6q13.
Variant type: single nucleotide variant.
Coding change: c.5230C>T on transcript NM_004370.6 (MANE Select); coding-DNA position 5230, C replaced by T.
Protein change: p.Leu1744=; no amino-acid change (leucine 1744 retained).
Molecular consequence: synonymous variant.
Genome position (GRCh38, 1-based): chr6:75,138,448, G>A on the plus strand (C>T on the coding strand, the complement: COL12A1 is on the minus strand). VCF-style: chr6-75138448-G-A. GRCh37 (hg19) VCF-style: chr6-75848164-G-A.
Other names: c.1738C>T, p.Leu580= (NM_080645.3).
Identifiers: ClinVar variation 648632 (VCV000648632.11), dbSNP rs552834799, ClinGen allele CA3893223.